The following is an entry in ClinVar:

NM_024589.2(ROGDI):c.52_54del

Gene: ROGDI (rogdi atypical leucine zipper; minus strand). Cytogenetic location: 16p13.3.
Variant type: Microsatellite.
Coding change: c.52_54del on transcript NM_024589.2; coding-DNA positions 52 to 54, 3 bases deleted (GAG; older notation c.52_54delGAG).
Genome position (GRCh38, 1-based): chr16:4,802,445-4,802,447, CTC deleted on the plus strand (GAG on the coding strand, the reverse complement: ROGDI is on the minus strand); deleting any 3 consecutive bases within chr16:4,802,445-4,802,455 gives the same sequence; the c. name uses the placement nearest the transcript's 3' end. VCF-style (leftmost placement, unchanged base first): chr16-4802444-ACTC-A. GRCh37 (hg19) VCF-style: chr16-4852445-ACTC-A.
Identifiers: ClinVar variation 1361174 (VCV001361174.7), dbSNP rs1319711782, ClinGen allele CA620514139.

ClinVar aggregate classification (germline): Uncertain significance. Review status: criteria provided, multiple submitters, no conflicts (2 of 4 stars). 2 submissions from 2 submitters: Uncertain significance (2). Last evaluated 2026-03-01.

Conditions:
Amelocerebrohypohidrotic syndrome (KTZS). Also called: EPILEPSY AND YELLOW TEETH; EPILEPSY, DEMENTIA, AND AMELOGENESIS IMPERFECTA; KOHLSCHUTTER SYNDROME; Kohlschutter's syndrome. Identifiers: Orphanet 1946, MedGen C0406740, MONDO:0009185, OMIM 226750.

Submissions (2):

GeneDx
Classification: Uncertain significance. Last evaluated: 2026-03-01. Review status: criteria provided, single submitter. Criteria: GeneDx Variant Classification Process June 2021. Collection method: clinical testing. Allele origin: germline.
Comment: In-frame deletion of 1 amino acid(s) in a non-repeat region; Not observed at significant frequency in large population cohorts (gnomAD); In silico analysis supports a deleterious effect on protein structure/function; In silico analysis is inconclusive as to whether the variant alters gene splicing. In the absence of RNA/functional studies, the actual effect of this sequence change is unknown.; Has not been previously published as pathogenic or benign to our knowledge

Labcorp Genetics (formerly Invitae), Labcorp
Classification: Uncertain significance for Amelocerebrohypohidrotic syndrome. Last evaluated: 2022-10-13. Review status: criteria provided, single submitter. Criteria: Invitae Variant Classification Sherloc (09022015). Collection method: clinical testing. Allele origin: germline.
Comment: In summary, the available evidence is currently insufficient to determine the role of this variant in disease. Therefore, it has been classified as a Variant of Uncertain Significance. This variant, c.52_54del, results in the deletion of 1 amino acid(s) of the ROGDI protein (p.Glu18del), but otherwise preserves the integrity of the reading frame. This variant is not present in population databases (gnomAD no frequency). This variant has not been reported in the literature in individuals affected with ROGDI-related conditions. Experimental studies and prediction algorithms are not available or were not evaluated, and the functional significance of this variant is currently unknown.